The following is an entry in ClinVar:

ClinVar aggregate classification (germline): Uncertain significance (1 of 4 stars; one submission).

Conditions:
CDH23-related disorder. Also called: CDH23-related disorders; CDH23-related condition.

gnomAD v4.1: 6 of 1,613,946 alleles (0.00037%); highest among the groups gnomAD compares: South Asian, 0.0044%; no homozygotes.

Submission:

PreventionGenetics, part of Exact Sciences
Classification: Uncertain significance for CDH23-related condition. Last evaluated: 2024-12-06. Review status: criteria provided, single submitter. Criteria: ACMG Guidelines, 2015. Collection method: clinical testing. Allele origin: germline.
Comment: The CDH23 c.9067G>C variant is predicted to result in the amino acid substitution p.Asp3023His. To our knowledge, this variant has not been reported in the literature. This variant is reported in 0.0033% of alleles in individuals of South Asian descent in gnomAD. At this time, the clinical significance of this variant is uncertain due to the absence of conclusive functional and genetic evidence.

NM_022124.6(CDH23):c.9067G>C (p.Asp3023His)

Gene: CDH23 (cadherin related 23; plus strand). Cytogenetic location: 10q22.1.
Variant type: single nucleotide variant.
Coding change: c.9067G>C on transcript NM_022124.6 (MANE Select); coding-DNA position 9067, G replaced by C.
Protein change: p.Asp3023His; replaces aspartic acid 3023 with histidine.
Molecular consequence: missense variant.
Genome position (GRCh38, 1-based): chr10:71,810,559, G>C. VCF-style: chr10-71810559-G-C. GRCh37 (hg19) VCF-style: chr10-73570316-G-C.
Other names: c.2347G>C, p.Asp783His (NM_001171933.1, NM_001171934.1); short protein forms D783H, D3023H.
Identifiers: ClinVar variation 4990579 (VCV004990579.1).